The following is an entry in ClinVar:

NM_001267550.2(TTN):c.45407del (p.Lys15136fs)

Genes: TTN (titin; minus strand), LOC126806427 (BRD4-independent group 4 enhancer GRCh37_chr2:179485777-179486976; plus strand). Cytogenetic location: 2q31.2.
Variant type: Deletion.
Coding change: c.45407del on transcript NM_001267550.2 (MANE Select); coding-DNA position 45407, one base deleted (A; older notation c.45407delA).
Protein change: p.Lys15136fs; shifts the reading frame from lysine 15136.
Molecular consequence: frameshift variant.
Genome position (GRCh38, 1-based): chr2:178,621,311, T deleted on the plus strand (A on the coding strand, the reverse complement: TTN is on the minus strand); the first of 4 consecutive T bases (chr2:178,621,311-178,621,314); deleting any one gives the same sequence. VCF-style (leftmost placement, unchanged base first): chr2-178621310-CT-C. GRCh37 (hg19) VCF-style: chr2-179486037-CT-C.
Other names: c.40484del, p.Lys13495fs (NM_001256850.1); c.18212del, p.Lys6071fs (NM_003319.4); c.37703del, p.Lys12568fs (NM_133378.4); c.18587del, p.Lys6196fs (NM_133432.3); c.18788del, p.Lys6263fs (NM_133437.4); short protein forms K12568fs, K13495fs, K15136fs, K6071fs, K6196fs, K6263fs.
Identifiers: ClinVar variation 3895261 (VCV003895261.1).

ClinVar aggregate classification (germline): Likely pathogenic (1 of 4 stars; one submission).

Conditions:
Cardiovascular phenotype. Identifiers: MedGen CN230736.

Submission:

Molecular Diagnostic Laboratory for Inherited Cardiovascular Disease, Montreal Heart Institute
Classification: Likely pathogenic for Cardiovascular phenotype. Last evaluated: 2024-06-11. Review status: criteria provided, single submitter. Criteria: ACMG Guidelines, 2015. Collection method: clinical testing. Allele origin: germline. Affected: yes.
Comment: PVS1, PM2